The following is an entry in ClinVar:

ClinVar aggregate classification (germline): Uncertain significance (1 of 4 stars; one submission).

gnomAD v4.1: 2 of 1,613,982 alleles (0.00012%); highest among the groups gnomAD compares: Admixed American, 0.0033%; no homozygotes.

Submission:

GeneDx
Classification: Uncertain significance. Last evaluated: 2026-07-01. Review status: criteria provided, single submitter. Criteria: GeneDx Variant Classification Process June 2021. Collection method: clinical testing. Allele origin: germline.
Comment: In silico analysis supports that this missense variant has a deleterious effect on protein structure/function; Has not been previously published as pathogenic or benign to our knowledge

NM_001394062.1(MACF1):c.3899A>T (p.Gln1300Leu)

Gene: MACF1 (microtubule actin crosslinking factor 1; plus strand). Cytogenetic location: 1p34.3.
Variant type: single nucleotide variant.
Coding change: c.3899A>T on transcript NM_001394062.1 (MANE Select); coding-DNA position 3899, A replaced by T.
Protein change: p.Gln1300Leu; replaces glutamine 1300 with leucine.
Molecular consequence: missense variant.
Genome position (GRCh38, 1-based): chr1:39,318,569, A>T. VCF-style: chr1-39318569-A-T. GRCh37 (hg19) VCF-style: chr1-39784241-A-T.
Other names: c.3914A>T, p.Gln1305Leu (NM_012090.5); short protein forms Q1300L, Q1305L.
Identifiers: ClinVar variation 4538738 (VCV004538738.2).